The following is an entry in ClinVar:

ClinVar aggregate classification (germline): Uncertain significance (1 of 4 stars; one submission).

Conditions:
Gamma-aminobutyric acid transaminase deficiency (GABATD). Also called: GABA transaminase deficiency; Gamma aminobutyrate transaminase deficiency; 4 alpha aminobutyrate transaminase deficiency; GABA aminotransaminase deficiency. Identifiers: Orphanet 2066, MedGen C0342708, MONDO:0013166, OMIM 613163.

Allele frequency attached by ClinVar (database versions not stated): TOPMed 0.00001; gnomAD exomes 0.00002; gnomAD 0.00003; ExAC 0.00004.
gnomAD v4.1: 31 of 1,613,924 alleles (0.0019%); highest among the groups gnomAD compares: African/African-American, 0.0027%; no homozygotes.

Submission:

Labcorp Genetics (formerly Invitae), Labcorp
Classification: Uncertain significance for Gamma-aminobutyric acid transaminase deficiency. Last evaluated: 2025-01-15. Review status: criteria provided, single submitter. Criteria: Invitae Variant Classification Sherloc (09022015). Collection method: clinical testing. Allele origin: germline.
Comment: This sequence change replaces threonine, which is neutral and polar, with methionine, which is neutral and non-polar, at codon 286 of the ABAT protein (p.Thr286Met). This variant is present in population databases (rs778229930, gnomAD 0.006%). This variant has not been reported in the literature in individuals affected with ABAT-related conditions. ClinVar contains an entry for this variant (Variation ID: 1026227). Invitae Evidence Modeling of protein sequence and biophysical properties (such as structural, functional, and spatial information, amino acid conservation, physicochemical variation, residue mobility, and thermodynamic stability) indicates that this missense variant is not expected to disrupt ABAT protein function with a negative predictive value of 80%. In summary, the available evidence is currently insufficient to determine the role of this variant in disease. Therefore, it has been classified as a Variant of Uncertain Significance.

NM_020686.6(ABAT):c.857C>T (p.Thr286Met)

Gene: ABAT (4-aminobutyrate aminotransferase; plus strand). Cytogenetic location: 16p13.2.
Variant type: single nucleotide variant.
Coding change: c.857C>T on transcript NM_020686.6 (MANE Select); coding-DNA position 857, C replaced by T.
Protein change: p.Thr286Met; replaces threonine 286 with methionine.
Molecular consequence: missense variant.
Genome position (GRCh38, 1-based): chr16:8,772,820, C>T. VCF-style: chr16-8772820-C-T. GRCh37 (hg19) VCF-style: chr16-8866677-C-T.
Other names: c.857C>T, p.Thr286Met (NM_000663.5, NM_001127448.2, NM_001386600.1 and 6 more transcripts); c.818C>T, p.Thr273Met (NM_001386605.1); c.794C>T, p.Thr265Met (NM_001386606.1, NM_001386607.1); c.764C>T, p.Thr255Met (NM_001386608.1); c.722C>T, p.Thr241Met (NM_001386610.1, NM_001386611.1); c.659C>T, p.Thr220Met (NM_001386612.1, NM_001386613.1); c.611C>T, p.Thr204Met (NM_001386614.1); c.953C>T, p.Thr318Met (NM_001386615.1); short protein forms T286M, T204M, T220M, T241M, T255M, T265M, T273M, T318M.
Identifiers: ClinVar variation 1026227 (VCV001026227.8), dbSNP rs778229930, ClinGen allele CA7893337.